The following is an entry in ClinVar:

ClinVar aggregate classification (germline): Conflicting classifications of pathogenicity. Review status: criteria provided, conflicting classifications (1 of 4 stars). 3 submissions from 3 submitters: Uncertain significance (1); Likely benign (1). 1 of the submissions does not count toward it. Last evaluated 2023-08-10.

Conditions:
Postaxial polydactyly-anterior pituitary anomalies-facial dysmorphism syndrome. Also called: Culler-Jones syndrome. Identifiers: Orphanet 420584, MedGen C4014479, MONDO:0014369, OMIM 615849.
Holoprosencephaly 9 (HPE9). Also called: PITUITARY ANOMALIES WITH HOLOPROSENCEPHALY-LIKE FEATURES; HOLOPROSENCEPHALY WITH MICROPHTHALMIA AND FIRST BRANCHIAL ARCH ANOMALIES. Identifiers: Orphanet 2162, MedGen C1835819, MONDO:0012563, OMIM 610829.
GLI2-related disorder. Also called: GLI2-related disorders; GLI2-related condition.

Allele frequency attached by ClinVar (database versions not stated): gnomAD 0.00002 and 0.00005; ESP Exome Variant Server 0.00008; 1000 Genomes Project 0.00060; 1000 Genomes Project 30x 0.00062.

Submissions (3):

Labcorp Genetics (formerly Invitae), Labcorp
Classification: Likely benign for Postaxial polydactyly-anterior pituitary anomalies-facial dysmorphism syndrome; Holoprosencephaly 9. Last evaluated: 2023-08-10. Review status: criteria provided, single submitter. Criteria: Invitae Variant Classification Sherloc (09022015). Collection method: clinical testing. Allele origin: germline.

Eurofins Ntd Llc (ga)
Classification: Uncertain significance. Last evaluated: 2017-10-24. Review status: criteria provided, single submitter. Criteria: EGL Classification Definitions 2015. Collection method: clinical testing. Allele origin: germline. Observed: 1 variant allele, 1 heterozygote.

PreventionGenetics, part of Exact Sciences
Classification: Likely benign for GLI2-related condition. Last evaluated: 2022-11-15. Review status: no assertion criteria provided. Collection method: clinical testing. Allele origin: germline. Not counted in ClinVar's aggregate classification.
Comment: This variant is classified as likely benign based on ACMG/AMP sequence variant interpretation guidelines (Richards et al. 2015 PMID: 25741868, with internal and published modifications).

NM_001374353.1(GLI2):c.1481C>T (p.Ser494Leu)

Gene: GLI2 (GLI family zinc finger 2; plus strand). Cytogenetic location: 2q14.2.
Variant type: single nucleotide variant.
Coding change: c.1481C>T on transcript NM_001374353.1 (MANE Select); coding-DNA position 1481, C replaced by T.
Protein change: p.Ser494Leu; replaces serine 494 with leucine.
Molecular consequence: missense variant.
Genome position (GRCh38, 1-based): chr2:120,982,729, C>T. VCF-style: chr2-120982729-C-T. GRCh37 (hg19) VCF-style: chr2-121740305-C-T.
Other names: c.1532C>T, p.Ser511Leu (NM_001371271.1, NM_005270.5); c.1106C>T, p.Ser369Leu (NM_001374354.1); short protein forms S511L, S494L, S369L.
Identifiers: ClinVar variation 594354 (VCV000594354.16), dbSNP rs372925840, ClinGen allele CA1851944.
Genomic context (GRCh38, chr2:120,982,729, plus strand): 5'-GTTGGGCCCCCTGGGGTGCCTTGACTGACTGAACCGCCTCCTTCTAGTTCGAGGGCTGCT[C>T]GAAGGCCTACTCCCGCCTGGAGAACCTGAAGACACACCTGCGGTCCCACACCGGGGAGAA-3'
Protein context (NP_001361282.1, residues 484-504): KPHKCTFEGC[Ser494Leu]KAYSRLENLK